The following is an entry in ClinVar:

NM_024700.4(SNIP1):c.1135A>G (p.Ile379Val)

Gene: SNIP1 (Smad nuclear interacting protein 1; minus strand). Cytogenetic location: 1p34.3.
Variant type: single nucleotide variant.
Coding change: c.1135A>G on transcript NM_024700.4 (MANE Select); coding-DNA position 1135, A replaced by G.
Protein change: p.Ile379Val; replaces isoleucine 379 with valine.
Molecular consequence: missense variant.
Genome position (GRCh38, 1-based): chr1:37,537,804, T>C on the plus strand (A>G on the coding strand, the complement: SNIP1 is on the minus strand). VCF-style: chr1-37537804-T-C. GRCh37 (hg19) VCF-style: chr1-38003405-T-C.
Other names: c.1135A>G (NM_024700.2); short protein forms I379V.
Identifiers: ClinVar variation 1373159 (VCV001373159.7), dbSNP rs866874156, ClinGen allele CA339443952.

ClinVar aggregate classification (germline): Conflicting classifications of pathogenicity. Review status: criteria provided, conflicting classifications (1 of 4 stars). 2 submissions from 2 submitters: Uncertain significance (1); Likely benign (1). Last evaluated 2024-10-20.

Allele frequency attached by ClinVar (database versions not stated): gnomAD exomes below 0.00001.
gnomAD v4.1: 1 of 1,614,256 alleles (0.000062%); highest among the groups gnomAD compares: African/African-American, 0.0013%; no homozygotes.

Submissions (2):

Ambry Genetics
Classification: Likely benign. Last evaluated: 2024-10-20. Review status: criteria provided, single submitter. Criteria: Ambry Variant Classification Scheme 2023. Collection method: clinical testing. Allele origin: germline.

Labcorp Genetics (formerly Invitae), Labcorp
Classification: Uncertain significance. Last evaluated: 2022-07-12. Review status: criteria provided, single submitter. Criteria: Invitae Variant Classification Sherloc (09022015). Collection method: clinical testing. Allele origin: germline.
Comment: Algorithms developed to predict the effect of missense changes on protein structure and function output the following: SIFT: "Tolerated"; PolyPhen-2: "Benign"; Align-GVGD: "Class C0". The valine amino acid residue is found in multiple mammalian species, which suggests that this missense change does not adversely affect protein function. In summary, the available evidence is currently insufficient to determine the role of this variant in disease. Therefore, it has been classified as a Variant of Uncertain Significance. ClinVar contains an entry for this variant (Variation ID: 1373159). This sequence change replaces isoleucine, which is neutral and non-polar, with valine, which is neutral and non-polar, at codon 379 of the SNIP1 protein (p.Ile379Val). This variant is not present in population databases (gnomAD no frequency). This variant has not been reported in the literature in individuals affected with SNIP1-related conditions.